The following is an entry in ClinVar:

ClinVar aggregate classification (germline): Uncertain significance. Review status: criteria provided, multiple submitters, no conflicts (2 of 4 stars). 2 submissions from 2 submitters: Uncertain significance (2). Last evaluated 2025-12-18.

Conditions:
Familial adenomatous polyposis 1 (FAP1). Also called: POLYPOSIS, ADENOMATOUS INTESTINAL; FAMILIAL ADENOMATOUS POLYPOSIS 1, ATTENUATED. Identifiers: MedGen C2713442, MONDO:0021056, OMIM 175100. Disease mechanism: loss of function.
Hereditary cancer-predisposing syndrome. Also called: Tumor predisposition; Hereditary neoplastic syndrome; Hereditary Cancer Syndrome; Neoplastic Syndromes, Hereditary. Identifiers: Orphanet 140162, MedGen C0027672, MeSH D009386, MONDO:0015356.

Submissions (2):

Ambry Genetics
Classification: Uncertain significance for Hereditary cancer-predisposing syndrome. Last evaluated: 2025-12-18. Review status: criteria provided, single submitter. Criteria: Ambry Variant Classification Scheme 2023. Collection method: clinical testing. Allele origin: germline.
Comment: The p.I169V variant (also known as c.505A>G), located in coding exon 4 of the APC gene, results from an A to G substitution at nucleotide position 505. The isoleucine at codon 169 is replaced by valine, an amino acid with highly similar properties. This amino acid position is highly conserved in available vertebrate species. In addition, in silico predictors for this gene do not accurately predict pathogenicity. Missense variants in APC are not a common cause of disease (Spier I et al. Genet Med. 2024 Feb;26(2):100992). Based on the available evidence, the clinical significance of this variant remains unclear.

Labcorp Genetics (formerly Invitae), Labcorp
Classification: Uncertain significance for Familial adenomatous polyposis 1. Last evaluated: 2021-12-06. Review status: criteria provided, single submitter. Criteria: Invitae Variant Classification Sherloc (09022015). Collection method: clinical testing. Allele origin: germline.
Comment: This sequence change replaces isoleucine, which is neutral and non-polar, with valine, which is neutral and non-polar, at codon 169 of the APC protein (p.Ile169Val). This variant is not present in population databases (gnomAD no frequency). This variant has not been reported in the literature in individuals affected with APC-related conditions. ClinVar contains an entry for this variant (Variation ID: 236614). Algorithms developed to predict the effect of missense changes on protein structure and function are either unavailable or do not agree on the potential impact of this missense change (SIFT: "Deleterious"; PolyPhen-2: "Possibly Damaging"; Align-GVGD: "Class C0"). In summary, the available evidence is currently insufficient to determine the role of this variant in disease. Therefore, it has been classified as a Variant of Uncertain Significance.

NM_000038.6(APC):c.505A>G (p.Ile169Val)

Gene: APC (APC regulator of Wnt signaling pathway; plus strand). Cytogenetic location: 5q22.2.
Variant type: single nucleotide variant.
Coding change: c.505A>G on transcript NM_000038.6 (MANE Select); coding-DNA position 505, A replaced by G.
Protein change: p.Ile169Val; replaces isoleucine 169 with valine.
Molecular consequence: missense variant. On other transcripts: 5 prime UTR variant (1).
Genome position (GRCh38, 1-based): chr5:112,775,711, A>G. VCF-style: chr5-112775711-A-G. GRCh37 (hg19) VCF-style: chr5-112111408-A-G.
Other names: c.505A>G, p.Ile169Val (NM_001127510.3, NM_001354895.2, NM_001354896.2 and 2 more transcripts); c.535A>G, p.Ile179Val (NM_001127511.3, NM_001354897.2, NM_001354902.2); c.430A>G, p.Ile144Val (NM_001354898.2, NM_001354904.2); c.328A>G, p.Ile110Val (NM_001354900.2, NM_001354901.2, NM_001354905.2); c.-531A>G (NM_001354906.2); short protein forms I169V, I179V, I110V, I144V.
Identifiers: ClinVar variation 236614 (VCV000236614.12), dbSNP rs878853455, ClinGen allele CA10582278.